The following is an entry in ClinVar:

NM_000059.4(BRCA2):c.1339C>T (p.Pro447Ser)

Gene: BRCA2 (BRCA2 DNA repair associated; plus strand). Cytogenetic location: 13q13.1.
Variant type: single nucleotide variant.
Coding change: c.1339C>T on transcript NM_000059.4 (MANE Select); coding-DNA position 1339, C replaced by T.
Protein change: p.Pro447Ser; replaces proline 447 with serine.
Molecular consequence: missense variant.
Genome position (GRCh38, 1-based): chr13:32,332,817, C>T. VCF-style: chr13-32332817-C-T. GRCh37 (hg19) VCF-style: chr13-32906954-C-T.
Other names: short protein forms P447S.
Identifiers: ClinVar variation 441449 (VCV000441449.17), dbSNP rs1555281846, ClinGen allele CA387762726.
Genomic context (GRCh38, chr13:32,332,817, plus strand): 5'-GACCTATTAGACACAGAGAACAAAAGAAAGAAAGATTTTCTTACTTCAGAGAATTCTTTG[C>T]CACGTATTTCTAGCCTACCAAAATCAGAGAAGCCATTAAATGAGGAAACAGTGGTAAATA-3'
Protein context (NP_000050.3, residues 437-457): KDFLTSENSL[Pro447Ser]RISSLPKSEK

ClinVar aggregate classification (germline): Conflicting classifications of pathogenicity. Review status: criteria provided, conflicting classifications (1 of 4 stars). 3 submissions from 3 submitters: Uncertain significance (1); Likely benign (2). Last evaluated 2023-09-03.

Conditions:
Hereditary breast ovarian cancer syndrome. Also called: Hereditary breast and ovarian cancer; Breast and ovarian cancer; Hereditary breast and ovarian cancer syndrome; Hereditary breast and/or ovarian cancer syndrome; BRCA1- and BRCA2-Associated Hereditary Breast and Ovarian Cancer; Hereditary breast and ovarian cancer syndrome (HBOC). Identifiers: Orphanet 145, MedGen C0677776, MeSH D061325, MONDO:0003582. Disease mechanism: loss of function.
Hereditary cancer-predisposing syndrome. Also called: Hereditary Cancer Syndrome; Hereditary neoplastic syndrome; Neoplastic Syndromes, Hereditary; Tumor predisposition. Identifiers: Orphanet 140162, MedGen C0027672, MeSH D009386, MONDO:0015356.

Submissions (3):

Labcorp Genetics (formerly Invitae), Labcorp
Classification: Likely benign for Hereditary breast ovarian cancer syndrome. Last evaluated: 2023-09-03. Review status: criteria provided, single submitter. Criteria: Invitae Variant Classification Sherloc (09022015). Collection method: clinical testing. Allele origin: germline.

Ambry Genetics
Classification: Uncertain significance for Hereditary cancer-predisposing syndrome. Last evaluated: 2023-06-03. Review status: criteria provided, single submitter. Criteria: Ambry Variant Classification Scheme 2023. Collection method: clinical testing. Allele origin: germline.
Comment: The p.P447S variant (also known as c.1339C>T), located in coding exon 9 of the BRCA2 gene, results from a C to T substitution at nucleotide position 1339. The proline at codon 447 is replaced by serine, an amino acid with similar properties. This variant was not reported in population based cohorts in the following databases: Database of Single Nucleotide Polymorphisms (dbSNP), NHLBI Exome Sequencing Project (ESP), and 1000 Genomes Project. In the ESP, this variant was not observed in 6502 samples (13004 alleles) with coverage at this position. To date, this alteration has been detected with an allele frequency of approximately 0.0003% (greater than 300000 alleles tested) in our clinical cohort. This amino acid position is not well conserved in available vertebrate species. In addition, this alteration is predicted to be tolerated by in silico analysis. Since supporting evidence is limited at this time, the clinical significance of this alteration remains unclear.

University of Washington Department of Laboratory Medicine, University of Washington
Classification: Likely benign for Hereditary cancer-predisposing syndrome. Last evaluated: 2023-03-23. Review status: criteria provided, single submitter. Criteria: Dines et al. (Genet Med. 2020). Collection method: curation. Allele origin: germline.
Comment: Missense variant in a coldspot region where missense variants are very unlikely to be pathogenic (PMID:31911673).

BRCA2 exon 10 coldspot. Reclassification based on statistical prior probability.